The following is an entry in ClinVar:

ClinVar aggregate classification (germline): Uncertain significance (1 of 4 stars; one submission).

Conditions:
Neurofibromatosis, type 1 (NF1). Also called: Peripheral type neurofibromatosis; VON RECKLINGHAUSEN DISEASE; Neurofibromatosis, type I; NEUROFIBROMATOSIS, TYPE I, SOMATIC. Identifiers: Orphanet 636, MedGen C0027831, MONDO:0018975, OMIM 162200. Disease mechanism: loss of function.

Submission:

Labcorp Genetics (formerly Invitae), Labcorp
Classification: Uncertain significance for Neurofibromatosis, type 1. Last evaluated: 2019-07-19. Review status: criteria provided, single submitter. Criteria: Invitae Variant Classification Sherloc (09022015). Collection method: clinical testing. Allele origin: germline.
Comment: In summary, the available evidence is currently insufficient to determine the role of this variant in disease. Therefore, it has been classified as a Variant of Uncertain Significance. Algorithms developed to predict the effect of missense changes on protein structure and function (SIFT, PolyPhen-2, Align-GVGD) all suggest that this variant is likely to be tolerated, but these predictions have not been confirmed by published functional studies and their clinical significance is uncertain. This variant has not been reported in the literature in individuals with NF1-related conditions. This variant is not present in population databases (ExAC no frequency). This sequence change replaces glutamic acid with aspartic acid at codon 767 of the NF1 protein (p.Glu767Asp). The glutamic acid residue is moderately conserved and there is a small physicochemical difference between glutamic acid and aspartic acid.

NM_001042492.3(NF1):c.2301G>T (p.Glu767Asp)

Gene: NF1 (neurofibromin 1; plus strand). Cytogenetic location: 17q11.2.
Variant type: single nucleotide variant.
Coding change: c.2301G>T on transcript NM_001042492.3 (MANE Select); coding-DNA position 2301, G replaced by T.
Protein change: p.Glu767Asp; replaces glutamic acid 767 with aspartic acid.
Molecular consequence: missense variant.
Genome position (GRCh38, 1-based): chr17:31,227,267, G>T. VCF-style: chr17-31227267-G-T. GRCh37 (hg19) VCF-style: chr17-29554285-G-T.
Other names: c.2301G>T, p.Glu767Asp (NM_000267.4); short protein forms E767D.
Identifiers: ClinVar variation 941912 (VCV000941912.6), dbSNP rs746127097, ClinGen allele CA398982851.